The following is an entry in ClinVar:

NM_001369268.1(ACAN):c.818G>T (p.Cys273Phe)

Gene: ACAN (aggrecan; plus strand). Cytogenetic location: 15q26.1.
Variant type: single nucleotide variant.
Coding change: c.818G>T on transcript NM_001369268.1 (MANE Select); coding-DNA position 818, G replaced by T.
Protein change: p.Cys273Phe; replaces cysteine 273 with phenylalanine.
Molecular consequence: missense variant.
Genome position (GRCh38, 1-based): chr15:88,843,415, G>T. VCF-style: chr15-88843415-G-T. GRCh37 (hg19) VCF-style: chr15-89386646-G-T.
Other names: c.818G>T, p.Cys273Phe (NM_001135.4, NM_001411096.1, NM_001411097.1 and 1 more transcripts); short protein forms C273F.
Identifiers: ClinVar variation 3376247 (VCV003376247.1).

ClinVar aggregate classification (germline): Uncertain significance (1 of 4 stars; one submission).

Conditions:
Spondyloepimetaphyseal dysplasia, aggrecan type. Also called: SEMD, AGGRECAN TYPE. Identifiers: Orphanet 171866, MedGen C2748544, MONDO:0013014, OMIM 612813.

Submission:

Pittsburgh Clinical Genomics Laboratory, University of Pittsburgh Medical Center
Classification: Uncertain significance for Spondyloepimetaphyseal dysplasia, aggrecan type. Last evaluated: 2024-09-23. Review status: criteria provided, single submitter. Criteria: ACMG Guidelines, 2015. Collection method: clinical testing. Allele origin: germline. Inheritance: Autosomal unknown. Affected: yes.
Comment: This sequence variant is a single nucleotide substitution (G>T) at position 818 of the coding sequence of the ACAN gene that results in a cysteine to phenylalanine amino acid change at residue 273 of the aggrecan protein. The 273 residue forms a disulfide bond in the G1 globular domain (PMID: 11942407), which plays a role in aggrecan's interaction with hyaluron acid and link protein to stabilize extracellular matrix. This novel variant is absent from ClinVar, publications, and the gnomAD population database (0/~244,000 alleles). Multiple bioinformatic tools predict that this cysteine to phenylalanine amino acid change would be damaging, and the Cys273 residue at this position is highly conserved across the vertebrate species examined. Studies examining the functiol consequence of this variant have not been published, to our knowledge. At this time, there is insufficient evidence to determine if this variant is pathogenic or benign. Therefore, we consider this a variant of uncertain significance. ACMG Criteria: BP1, PM2, PP3

Literature cited by the submitters: PubMed 11942407.